The following is an entry in ClinVar:

ClinVar aggregate classification (germline): Uncertain significance (1 of 4 stars; one submission).

gnomAD v4.1: 7 of 1,614,046 alleles (0.00043%); highest among the groups gnomAD compares: Non-Finnish European, 0.00059%; no homozygotes.

Submission:

Labcorp Genetics (formerly Invitae), Labcorp
Classification: Uncertain significance. Last evaluated: 2022-11-20. Review status: criteria provided, single submitter. Criteria: Invitae Variant Classification Sherloc (09022015). Collection method: clinical testing. Allele origin: germline.
Comment: In summary, the available evidence is currently insufficient to determine the role of this variant in disease. Therefore, it has been classified as a Variant of Uncertain Significance. Algorithms developed to predict the effect of missense changes on protein structure and function (SIFT, PolyPhen-2, Align-GVGD) all suggest that this variant is likely to be tolerated. This variant has not been reported in the literature in individuals affected with PPP2R1A-related conditions. This variant is present in population databases (no rsID available, gnomAD 0.0009%). This sequence change replaces valine, which is neutral and non-polar, with methionine, which is neutral and non-polar, at codon 86 of the PPP2R1A protein (p.Val86Met).

NM_014225.6(PPP2R1A):c.256G>A (p.Val86Met)

Gene: PPP2R1A (protein phosphatase 2 scaffold subunit Aalpha; plus strand). Cytogenetic location: 19q13.41.
Variant type: single nucleotide variant.
Coding change: c.256G>A on transcript NM_014225.6 (MANE Select); coding-DNA position 256, G replaced by A.
Protein change: p.Val86Met; replaces valine 86 with methionine.
Molecular consequence: missense variant. On other transcripts: 5 prime UTR variant (1).
Genome position (GRCh38, 1-based): chr19:52,206,049, G>A. VCF-style: chr19-52206049-G-A. GRCh37 (hg19) VCF-style: chr19-52709302-G-A.
Other names: c.-282G>A (NM_001363656.2); short protein forms V86M.
Identifiers: ClinVar variation 2986557 (VCV002986557.3), dbSNP rs1377540471, ClinGen allele CA407181252.